The following is an entry in ClinVar:

ClinVar aggregate classification (germline): Uncertain significance (1 of 4 stars; one submission).

Allele frequency attached by ClinVar (database versions not stated): gnomAD 0.00001.

Submission:

GeneDx
Classification: Uncertain significance. Last evaluated: 2022-06-30. Review status: criteria provided, single submitter. Criteria: GeneDx Variant Classification Process June 2021. Collection method: clinical testing. Allele origin: germline. Affected: yes.
Comment: Not observed at significant frequency in large population cohorts (gnomAD); In silico analysis supports that this missense variant has a deleterious effect on protein structure/function; Has not been previously published as pathogenic or benign to our knowledge

NM_005629.4(SLC6A8):c.1481T>C (p.Val494Ala)

Gene: SLC6A8 (solute carrier family 6 member 8; plus strand). Cytogenetic location: Xq28.
Variant type: single nucleotide variant.
Coding change: c.1481T>C on transcript NM_005629.4 (MANE Select); coding-DNA position 1481, T replaced by C.
Protein change: p.Val494Ala; replaces valine 494 with alanine.
Molecular consequence: missense variant.
Genome position (GRCh38, 1-based): chrX:153,694,432, T>C. VCF-style: chrX-153694432-T-C. GRCh37 (hg19) VCF-style: chrX-152959887-T-C.
Other names: c.1451T>C, p.Val484Ala (NM_001142805.2); c.1136T>C, p.Val379Ala (NM_001142806.1); short protein forms V379A, V484A, V494A.
Identifiers: ClinVar variation 1809963 (VCV001809963.1), dbSNP rs1557045497, ClinGen allele CA415087869.